The following is an entry in ClinVar:

ClinVar aggregate classification (germline): Uncertain significance. Review status: criteria provided, multiple submitters, no conflicts (2 of 4 stars). 3 submissions from 3 submitters: Uncertain significance (3). Last evaluated 2026-02-11.

Conditions:
Thrombocytopenia 2 (THC2). Also called: ANKRD26-Related Thrombocytopenia. Identifiers: Orphanet 268322, MedGen C1861185, MONDO:0008555, OMIM 188000.

Submissions (3):

St. Jude Molecular Pathology, St. Jude Children's Research Hospital
Classification: Uncertain significance for Thrombocytopenia 2. Last evaluated: 2026-02-11. Review status: criteria provided, single submitter. Criteria: St. Jude Assertion Criteria 2020. Collection method: clinical testing. Allele origin: germline.
Comment: The ANKRD26 NM_014915.2:c.4077_4078del change. The ANKRD26 4077_4078del p.(Glu1359AspfsTer5) change deletes 2 nucleotides to cause a frameshift and the creation of a premature stop codon, however the functional significance of this change is currently unknown. This variant has a maximum non-founder subpopulation frequency of 0.0058% in gnomAD v2.1.1. To our knowledge, this variant has not been reported in the literature in individuals with ANKRD26-related thrombocytopenia. In summary, the evidence currently available is insufficient to determine the clinical significance of this variant. It has therefore been classified as of uncertain significance.

Labcorp Genetics (formerly Invitae), Labcorp
Classification: Uncertain significance. Last evaluated: 2024-04-18. Review status: criteria provided, single submitter. Criteria: Invitae Variant Classification Sherloc (09022015). Collection method: clinical testing. Allele origin: germline.
Comment: This sequence change creates a premature translational stop signal (p.Glu1359Aspfs*5) in the ANKRD26 gene. It is expected to result in an absent or disrupted protein product. However, the current clinical and genetic evidence is not sufficient to establish whether loss-of-function variants in ANKRD26 cause disease. This variant is present in population databases (rs774617914, gnomAD 0.006%). This variant has not been reported in the literature in individuals affected with ANKRD26-related conditions. ClinVar contains an entry for this variant (Variation ID: 2662752). In summary, the available evidence is currently insufficient to determine the role of this variant in disease. Therefore, it has been classified as a Variant of Uncertain Significance.

GeneDx
Classification: Uncertain significance. Last evaluated: 2023-12-04. Review status: criteria provided, single submitter. Criteria: GeneDx Variant Classification Process June 2021. Collection method: clinical testing. Allele origin: germline.
Comment: Has not been previously published as pathogenic or benign to our knowledge; Not observed at significant frequency in large population cohorts (gnomAD)

NM_014915.3(ANKRD26):c.4077_4078del (p.Glu1359fs)

Gene: ANKRD26 (ankyrin repeat domain 26; minus strand). Cytogenetic location: 10p12.1.
Variant type: Microsatellite.
Coding change: c.4077_4078del on transcript NM_014915.3 (MANE Select); coding-DNA positions 4077 to 4078, 2 bases deleted (GA; older notation c.4077_4078delGA).
Protein change: p.Glu1359fs; shifts the reading frame from glutamic acid 1359.
Molecular consequence: frameshift variant.
Genome position (GRCh38, 1-based): chr10:27,024,454-27,024,455, TC deleted on the plus strand (GA on the coding strand, the reverse complement: ANKRD26 is on the minus strand); deleting any 2 consecutive bases within chr10:27,024,454-27,024,460 gives the same sequence; the c. name uses the placement nearest the transcript's 3' end. VCF-style (leftmost placement, unchanged base first): chr10-27024453-ATC-A. GRCh37 (hg19) VCF-style: chr10-27313382-ATC-A.
Other names: c.4077_4078del (NM_014915.2); c.4074_4075del, p.Glu1358fs (NM_001256053.2); c.4072_4073AG[2], p.Glu1359Aspfs (NM_014915.2); short protein forms E1358fs, E1359fs.
Identifiers: ClinVar variation 2662752 (VCV002662752.5), dbSNP rs769039255, ClinGen allele CA5447866.
Genomic context (GRCh38, chr10:27,024,453, plus strand): 5'-TATATTAAATCAATTAATGAATGGTTAAAATGATCTGAAATATTAAAATCTTACCCAGTT[ATC>A]TCTCTTTCTAATTCAACATTTTTCTTCATTTCTTGATCCAAATTACATTCCAGTGACTGT-3'